The following is an entry in ClinVar:

ClinVar aggregate classification (germline): Uncertain significance. Review status: criteria provided, multiple submitters, no conflicts (2 of 4 stars). 3 submissions from 3 submitters: Uncertain significance (3). Last evaluated 2024-05-20.

Conditions:
Inborn genetic diseases. Identifiers: MedGen C0950123, MeSH D030342.

Allele frequency attached by ClinVar (database versions not stated): ExAC 0.00008; gnomAD exomes 0.00014 and 0.00042; ESP Exome Variant Server 0.00015; gnomAD 0.00023 and 0.00024; TOPMed 0.00023.
gnomAD v4.1: 638 of 1,614,010 alleles (0.04%); highest among the groups gnomAD compares: Non-Finnish European, 0.053%; no homozygotes.

Submissions (3):

Labcorp Genetics (formerly Invitae), Labcorp
Classification: Uncertain significance. Last evaluated: 2024-05-20. Review status: criteria provided, single submitter. Criteria: Invitae Variant Classification Sherloc (09022015). Collection method: clinical testing. Allele origin: germline.
Comment: This sequence change replaces serine, which is neutral and polar, with proline, which is neutral and non-polar, at codon 1529 of the ANK3 protein (p.Ser1529Pro). This variant is present in population databases (rs200919668, gnomAD 0.03%). This variant has not been reported in the literature in individuals affected with ANK3-related conditions. ClinVar contains an entry for this variant (Variation ID: 210162). Advanced modeling of protein sequence and biophysical properties (such as structural, functional, and spatial information, amino acid conservation, physicochemical variation, residue mobility, and thermodynamic stability) performed at Invitae indicates that this missense variant is not expected to disrupt ANK3 protein function with a negative predictive value of 80%. In summary, the available evidence is currently insufficient to determine the role of this variant in disease. Therefore, it has been classified as a Variant of Uncertain Significance.

Ambry Genetics
Classification: Uncertain significance for Inborn genetic diseases. Last evaluated: 2022-05-25. Review status: criteria provided, single submitter. Criteria: Ambry Variant Classification Scheme 2023. Collection method: clinical testing. Allele origin: germline.
Comment: Unlikely to be causative of ANK3-related neurodevelopmental disorder (AD) Based on insufficient or conflicting evidence, the clinical significance of this alteration remains unclear.

Genetic Services Laboratory, University of Chicago
Classification: Uncertain significance. Last evaluated: 2014-07-09. Review status: criteria provided, single submitter. Criteria: ACMG Guidelines, 2015. Collection method: clinical testing. Allele origin: germline.

NM_020987.5(ANK3):c.4585T>C (p.Ser1529Pro)

Gene: ANK3 (ankyrin 3; minus strand). Cytogenetic location: 10q21.2.
Variant type: single nucleotide variant.
Coding change: c.4585T>C on transcript NM_020987.5 (MANE Select); coding-DNA position 4585, T replaced by C.
Protein change: p.Ser1529Pro; replaces serine 1529 with proline.
Molecular consequence: missense variant. On other transcripts: intron variant (4).
Genome position (GRCh38, 1-based): chr10:60,076,296, A>G on the plus strand (T>C on the coding strand, the complement: ANK3 is on the minus strand). VCF-style: chr10-60076296-A-G. GRCh37 (hg19) VCF-style: chr10-61836054-A-G.
Other names: c.4387+4241T>C (NM_001204403.2); c.4408+4241T>C (NM_001204404.2); c.4405+4241T>C (NM_001320874.2); c.1807+4241T>C (NM_001149.4); short protein forms S1529P.
Identifiers: ClinVar variation 210162 (VCV000210162.10), dbSNP rs200919668, ClinGen allele CA205529.